The following is an entry in ClinVar:

ClinVar aggregate classification (germline): Likely pathogenic. Review status: criteria provided, multiple submitters, no conflicts (2 of 4 stars). 2 submissions from 2 submitters: Likely pathogenic (2). Last evaluated 2025-01-27.

Conditions:
Tay-Sachs disease (TSD). Also called: Hexosaminidase A Deficiency; HEXA Disorders; GM2 gangliosidosis, type 1; Hexosaminidase alpha-subunit deficiency (variant B); Sphingolipidosis, Tay-Sachs; HEXA DEFICIENCY. Identifiers: Orphanet 845, MedGen C0039373, MONDO:0010100, OMIM 272800.

Allele frequency attached by ClinVar (database versions not stated): TOPMed 0.00001.

Submissions (2):

Natera, Inc.
Classification: Likely pathogenic for Tay-Sachs disease. Last evaluated: 2025-01-27. Review status: criteria provided, single submitter. Criteria: Natera Variant Classification Schema (03/2026). Collection method: clinical testing. Allele origin: germline.
Comment: The c.1120C>T variant in HEXA is a nonsense variant predicted to introduce a stop codon at amino acid 374. This variant is expected to result in nonsense mediated decay, truncation, or a dysfunctional protein product. This variant is rare in the general population with a frequency below the threshold expected for the associated phenotype(s). Given the available evidence, this variant is classified as Likely Pathogenic.

Myriad Genetics, Inc.
Classification: Likely pathogenic for Tay-Sachs disease. Last evaluated: 2020-04-12. Review status: criteria provided, single submitter. Criteria: Myriad Women's Health Autosomal Recessive and X-Linked Classification Criteria (2019). Collection method: clinical testing. Allele origin: unknown.
Comment: NM_000520.4(HEXA):c.1120C>T(Q374*) is expected to be pathogenic in the context of hexosaminidase A deficiency. This variant is predicted to lead to an abnormal or absent protein product due to the creation of a premature termination codon in HEXA, a gene where loss-of-function variants are known to be pathogenic. Please note: this variant was assessed in the context of healthy population screening.

NM_000520.6(HEXA):c.1120C>T (p.Gln374Ter)

Gene: HEXA (hexosaminidase subunit alpha; minus strand). Cytogenetic location: 15q23.
Variant type: single nucleotide variant.
Coding change: c.1120C>T on transcript NM_000520.6 (MANE Select); coding-DNA position 1120, C replaced by T.
Protein change: p.Gln374Ter; replaces glutamine 374 with a stop codon.
Molecular consequence: nonsense.
Genome position (GRCh38, 1-based): chr15:72,347,712, G>A on the plus strand (C>T on the coding strand, the complement: HEXA is on the minus strand). VCF-style: chr15-72347712-G-A. GRCh37 (hg19) VCF-style: chr15-72640053-G-A.
Other names: c.1153C>T, p.Gln385Ter (NM_001318825.2); c.1120C>T (NM_000520.5); short protein forms Q374*, Q385*.
Identifiers: ClinVar variation 983875 (VCV000983875.4), dbSNP rs1415609256, ClinGen allele CA393061693.